The following is an entry in ClinVar:

NM_198529.4(EFCAB5):c.3384C>T (p.His1128=)

Gene: EFCAB5 (EF-hand calcium binding domain 5; plus strand). Cytogenetic location: 17q11.2.
Variant type: single nucleotide variant.
Coding change: c.3384C>T on transcript NM_198529.4 (MANE Select); coding-DNA position 3384, C replaced by T.
Protein change: p.His1128=; no amino-acid change (histidine 1128 retained).
Molecular consequence: synonymous variant.
Genome position (GRCh38, 1-based): chr17:30,080,939, C>T. VCF-style: chr17-30080939-C-T. GRCh37 (hg19) VCF-style: chr17-28407957-C-T.
Identifiers: ClinVar variation 2647622 (VCV002647622.24), dbSNP rs143114099, ClinGen allele CA8479256.

ClinVar aggregate classification (germline): Likely benign (1 of 4 stars; one submission).

Allele frequency attached by ClinVar (database versions not stated): 1000 Genomes Project 0.00180; 1000 Genomes Project 30x 0.00203.
gnomAD v4.1: 267 of 1,613,366 alleles (0.017%); highest among the groups gnomAD compares: African/African-American, 0.27%; 1 homozygote.

Submission:

CeGaT Center for Human Genetics Tuebingen
Classification: Likely benign. Last evaluated: 2023-02-01. Review status: criteria provided, single submitter. Criteria: CeGaT Center For Human Genetics Tuebingen Variant Classification Criteria Version 2. Collection method: clinical testing. Allele origin: germline. Affected: yes. Observed: 1 variant allele.
Comment: EFCAB5: BP4, BP7